The following is an entry in ClinVar:

ClinVar aggregate classification (germline): Uncertain significance. Review status: criteria provided, multiple submitters, no conflicts (2 of 4 stars). 2 submissions from 2 submitters: Uncertain significance (2). Last evaluated 2024-05-10.

gnomAD v4.1: 1 of 1,613,738 alleles (0.000062%); highest among the groups gnomAD compares: Non-Finnish European, 0.000085%; no homozygotes.

Submissions (2):

Blueprint Genetics
Classification: Uncertain significance. Last evaluated: 2024-05-10. Review status: criteria provided, single submitter. Criteria: ACMG Guidelines, 2015. Collection method: clinical testing. Allele origin: germline.

Women's Health and Genetics/Laboratory Corporation of America, LabCorp
Classification: Uncertain significance. Last evaluated: 2024-03-07. Review status: criteria provided, single submitter. Criteria: LabCorp Variant Classification Summary - May 2015. Collection method: clinical testing. Allele origin: germline.
Comment: Variant summary: USH2A c.7526G>T (p.Arg2509Leu) results in a non-conservative amino acid change located in the Fibronectin type III domain (IPR003961) of the encoded protein sequence. Four of five in-silico tools predict a damaging effect of the variant on protein function. The variant was absent in 250746 control chromosomes (gnomAD). The available data on variant occurrences in the general population are insufficient to allow any conclusion about variant significance. To our knowledge, no occurrence of c.7526G>T in individuals affected with Usher Syndrome and no experimental evidence demonstrating its impact on protein function have been reported. No submitters have cited clinical-significance assessments for this variant to ClinVar. Based on the evidence outlined above, the variant was classified as uncertain significance.

NM_206933.4(USH2A):c.7526G>T (p.Arg2509Leu)

Gene: USH2A (usherin; minus strand). Cytogenetic location: 1q41.
Variant type: single nucleotide variant.
Coding change: c.7526G>T on transcript NM_206933.4 (MANE Select); coding-DNA position 7526, G replaced by T.
Protein change: p.Arg2509Leu; replaces arginine 2509 with leucine.
Molecular consequence: missense variant.
Genome position (GRCh38, 1-based): chr1:215,900,143, C>A on the plus strand (G>T on the coding strand, the complement: USH2A is on the minus strand). VCF-style: chr1-215900143-C-A. GRCh37 (hg19) VCF-style: chr1-216073485-C-A.
Other names: short protein forms R2509L.
Identifiers: ClinVar variation 3233595 (VCV003233595.3), dbSNP rs781229974, ClinGen allele CA344847311.
Genomic context (GRCh38, chr1:215,900,143, plus strand): 5'-GCGGTCATGAATGGAATCCAAGAACTATGTGCACTGCCAAATCCATTGGAGGCAACCAAC[C>A]GAAACATATACTCTGTGTACGGTTGGAGATCACTCACTTCATAGCTTAACGATGCAGAAG-3'
Protein context (NP_996816.3, residues 2499-2519): DLQPYTEYMF[Arg2509Leu]LVASNGFGSA